The following is an entry in ClinVar:

NM_004859.4(CLTC):c.1645-3T>C

Gene: CLTC (clathrin heavy chain; plus strand). Cytogenetic location: 17q23.1.
Variant type: single nucleotide variant.
Coding change: c.1645-3T>C on transcript NM_004859.4 (MANE Select); 3 bases into the intron before coding-DNA position 1645, T replaced by C.
Molecular consequence: intron variant.
Genome position (GRCh38, 1-based): chr17:59,666,100, T>C. VCF-style: chr17-59666100-T-C. GRCh37 (hg19) VCF-style: chr17-57743461-T-C.
Other names: c.1657-3T>C (NM_001288653.2).
Identifiers: ClinVar variation 2103201 (VCV002103201.8), dbSNP rs2509383514, ClinGen allele CA2569283901.
Genomic context (GRCh38, chr17:59,666,100, plus strand): 5'-TAATTTTGTCTACATACTCTCCATAGTATCTTAAAACAATTTCTTTTAAATCTTTTTTTG[T>C]AGATTGTAGATGTCTTTATGGAATACAATCTAATTCAGCAGTGTACTGCATTCTTGCTTG-3'

ClinVar aggregate classification (germline): Conflicting classifications of pathogenicity. Review status: criteria provided, conflicting classifications (1 of 4 stars). 2 submissions from 2 submitters: Uncertain significance (1); Likely benign (1). Last evaluated 2026-02-01.

Allele frequency attached by ClinVar (database versions not stated): gnomAD exomes below 0.00001.
gnomAD v4.1: 3 of 1,593,950 alleles (0.00019%); highest among the groups gnomAD compares: South Asian, 0.0022%; no homozygotes.

Submissions (2):

CeGaT Center for Human Genetics Tuebingen
Classification: Likely benign. Last evaluated: 2026-02-01. Review status: criteria provided, single submitter. Criteria: CeGaT Center For Human Genetics Tuebingen Variant Classification Criteria Version 2. Collection method: clinical testing. Allele origin: germline. Affected: yes. Observed: 1 variant allele.
Comment: CLTC: BP4

Labcorp Genetics (formerly Invitae), Labcorp
Classification: Uncertain significance. Last evaluated: 2025-07-28. Review status: criteria provided, single submitter. Criteria: Invitae Variant Classification Sherloc (09022015). Collection method: clinical testing. Allele origin: germline.
Comment: This sequence change falls in intron 10 of the CLTC gene. It does not directly change the encoded amino acid sequence of the CLTC protein. It affects a nucleotide within the consensus splice site. This variant is not present in population databases (gnomAD no frequency). This variant has not been reported in the literature in individuals affected with CLTC-related conditions. ClinVar contains an entry for this variant (Variation ID: 2103201). Variants that disrupt the consensus splice site are a relatively common cause of aberrant splicing (PMID: 17576681, 9536098). Algorithms developed to predict the effect of sequence changes on RNA splicing suggest that this variant is not likely to affect RNA splicing. In summary, the available evidence is currently insufficient to determine the role of this variant in disease. Therefore, it has been classified as a Variant of Uncertain Significance.

Literature cited by the submitters: PubMed 17576681 (cited by Labcorp Genetics (formerly Invitae), Labcorp); PubMed 9536098 (cited by Labcorp Genetics (formerly Invitae), Labcorp).